The following is an entry in ClinVar:

ClinVar aggregate classification (germline): Uncertain significance (1 of 4 stars; one submission).

Conditions:
Compton-North congenital myopathy (CMYO12). Identifiers: Orphanet 210163, MedGen C2675527, MONDO:0012929, OMIM 612540.

Submission:

Labcorp Genetics (formerly Invitae), Labcorp
Classification: Uncertain significance for Compton-North congenital myopathy. Last evaluated: 2022-04-21. Review status: criteria provided, single submitter. Criteria: Invitae Variant Classification Sherloc (09022015). Collection method: clinical testing. Allele origin: germline.
Comment: This sequence change replaces proline, which is neutral and non-polar, with alanine, which is neutral and non-polar, at codon 909 of the CNTN1 protein (p.Pro909Ala). This variant is not present in population databases (gnomAD no frequency). This variant has not been reported in the literature in individuals affected with CNTN1-related conditions. Advanced modeling of protein sequence and biophysical properties (such as structural, functional, and spatial information, amino acid conservation, physicochemical variation, residue mobility, and thermodynamic stability) performed at Invitae indicates that this missense variant is not expected to disrupt CNTN1 protein function. In summary, the available evidence is currently insufficient to determine the role of this variant in disease. Therefore, it has been classified as a Variant of Uncertain Significance.

NM_001843.4(CNTN1):c.2725C>G (p.Pro909Ala)

Gene: CNTN1 (contactin 1; plus strand). Cytogenetic location: 12q12.
Variant type: single nucleotide variant.
Coding change: c.2725C>G on transcript NM_001843.4 (MANE Select); coding-DNA position 2725, C replaced by G.
Protein change: p.Pro909Ala; replaces proline 909 with alanine.
Molecular consequence: missense variant.
Genome position (GRCh38, 1-based): chr12:41,027,871, C>G. VCF-style: chr12-41027871-C-G. GRCh37 (hg19) VCF-style: chr12-41421673-C-G.
Other names: c.2692C>G, p.Pro898Ala (NM_175038.2); short protein forms P898A, P909A.
Identifiers: ClinVar variation 2128711 (VCV002128711.4), dbSNP rs2499750878, ClinGen allele CA384587841.